The following is an entry in ClinVar:

NM_014908.4(DOLK):c.148G>A (p.Ala50Thr)

Gene: DOLK (dolichol kinase; minus strand). Cytogenetic location: 9q34.11.
Variant type: single nucleotide variant.
Coding change: c.148G>A on transcript NM_014908.4 (MANE Select); coding-DNA position 148, G replaced by A.
Protein change: p.Ala50Thr; replaces alanine 50 with threonine.
Molecular consequence: missense variant.
Genome position (GRCh38, 1-based): chr9:128,947,156, C>T on the plus strand (G>A on the coding strand, the complement: DOLK is on the minus strand). VCF-style: chr9-128947156-C-T. GRCh37 (hg19) VCF-style: chr9-131709435-C-T.
Other names: short protein forms A50T.
Identifiers: ClinVar variation 1495407 (VCV001495407.8), dbSNP rs2131129240, ClinGen allele CA375128087.

ClinVar aggregate classification (germline): Uncertain significance (1 of 4 stars; one submission).

Conditions:
DK1-congenital disorder of glycosylation. Also called: DOLK-congenital disorder of glycosylation; Carbohydrate deficient glycoprotein syndrome type 1m; DK1-CDG; CDG Im; CONGENITAL DISORDER OF GLYCOSYLATION, TYPE Im; DK1 DEFICIENCY. Identifiers: Orphanet 91131, MedGen C1835849, MONDO:0012556, OMIM 610768.

Submission:

Labcorp Genetics (formerly Invitae), Labcorp
Classification: Uncertain significance for DK1-congenital disorder of glycosylation. Last evaluated: 2021-05-31. Review status: criteria provided, single submitter. Criteria: Invitae Variant Classification Sherloc (09022015). Collection method: clinical testing. Allele origin: germline.
Comment: In summary, the available evidence is currently insufficient to determine the role of this variant in disease. Therefore, it has been classified as a Variant of Uncertain Significance. Algorithms developed to predict the effect of missense changes on protein structure and function are either unavailable or do not agree on the potential impact of this missense change (SIFT: "Tolerated"; PolyPhen-2: "Possibly Damaging"; Align-GVGD: "Class C0"). This variant has not been reported in the literature in individuals with DOLK-related conditions. This variant is not present in population databases (ExAC no frequency). This sequence change replaces alanine with threonine at codon 50 of the DOLK protein (p.Ala50Thr). The alanine residue is moderately conserved and there is a small physicochemical difference between alanine and threonine.